The following is an entry in ClinVar:

ClinVar aggregate classification (germline): Uncertain significance (1 of 4 stars; one submission).

Submission:

Labcorp Genetics (formerly Invitae), Labcorp
Classification: Uncertain significance. Last evaluated: 2021-10-22. Review status: criteria provided, single submitter. Criteria: Invitae Variant Classification Sherloc (09022015). Collection method: clinical testing. Allele origin: germline.
Comment: This variant is a gross deletion of the genomic region encompassing exon(s) 28-30 of the NBAS gene. This variant would be expected to be in-frame, preserving the integrity of the reading frame. This variant has not been reported in the literature in individuals affected with NBAS-related conditions. Experimental studies and prediction algorithms are not available or were not evaluated, and the functional significance of this variant is currently unknown. This variant disrupts a region of the NBAS protein in which other variant(s) (p.His1053Arg) have been observed in individuals with NBAS-related conditions (PMID: 31015584). This suggests that this is a clinically significant region of the protein, and that variants that disrupt it are likely to be disease-causing. In summary, the available evidence is currently insufficient to determine the role of this variant in disease. Therefore, it has been classified as a Variant of Uncertain Significance.

Literature cited by the submitters: PubMed 31015584.

NC_000002.11:g.(?_15519706)_(15534493_?)del

Gene: NBAS (NBAS subunit of NRZ tethering complex; minus strand). Cytogenetic location: 2p24.3.
Variant type: Deletion.
Identifiers: ClinVar variation 2426227 (VCV002426227.3).